The following is an entry in ClinVar:

ClinVar aggregate classification (germline): Pathogenic/Likely pathogenic. Review status: criteria provided, multiple submitters, no conflicts (2 of 4 stars). 2 submissions from 2 submitters: Pathogenic (1); Likely pathogenic (1). Last evaluated 2026-01-16.

Conditions:
Neurodevelopmental disorder with or without variable brain abnormalities; NEDBA. Also called: NEURODEVELOPMENTAL DISORDER WITH OR WITHOUT VARIABLE BRAIN ABNORMALITIES. Identifiers: MedGen C5193102, MONDO:0032755, OMIM 618443.

gnomAD v4.1: 2 of 1,613,950 alleles (0.00012%); highest among the groups gnomAD compares: Non-Finnish European, 0.00017%; no homozygotes.

Submissions (2):

GeneDx
Classification: Likely pathogenic. Last evaluated: 2026-01-16. Review status: criteria provided, single submitter. Criteria: GeneDx Variant Classification Process June 2021. Collection method: clinical testing. Allele origin: germline.
Comment: Nonsense variant predicted to result in protein truncation or nonsense mediated decay in a gene for which loss of function is a known mechanism of disease; Not observed at significant frequency in large population cohorts (gnomAD); Has not been previously published as pathogenic or benign to our knowledge

Women's Health and Genetics/Laboratory Corporation of America, LabCorp
Classification: Pathogenic for Neurodevelopmental disorder with or without variable brain abnormalities; NEDBA. Last evaluated: 2024-08-23. Review status: criteria provided, single submitter. Criteria: LabCorp Variant Classification Summary - May 2015. Collection method: clinical testing. Allele origin: germline.
Comment: Variant summary: MAPK8IP3 c.1399C>T (p.Gln467X) results in a premature termination codon, predicted to cause absence of the protein due to nonsense mediated decay, which is a known mechanism for disease (PMID 30612693). The variant was absent in 249338 control chromosomes (gnomAD). To our knowledge, no occurrence of c.1399C>T in individuals affected with Neurodevelopmental Disorder With Or Without Variable Brain Abnormalities (NEDBA) and no experimental evidence demonstrating its impact on protein function have been reported. No submitters have cited clinical-significance assessments for this variant to ClinVar. Based on the evidence outlined above, the variant was classified as pathogenic.

NM_001318852.2(MAPK8IP3):c.1402C>T (p.Gln468Ter)

Gene: MAPK8IP3 (mitogen-activated protein kinase 8 interacting protein 3; plus strand). Cytogenetic location: 16p13.3.
Variant type: single nucleotide variant.
Coding change: c.1402C>T on transcript NM_001318852.2 (MANE Select); coding-DNA position 1402, C replaced by T.
Protein change: p.Gln468Ter; replaces glutamine 468 with a stop codon.
Molecular consequence: nonsense.
Genome position (GRCh38, 1-based): chr16:1,760,477, C>T. VCF-style: chr16-1760477-C-T. GRCh37 (hg19) VCF-style: chr16-1810478-C-T.
Other names: c.1381C>T, p.Gln461Ter (NM_001040439.2); c.1399C>T, p.Gln467Ter (NM_015133.5); c.1381C>T (NM_001040439.1); short protein forms Q461*, Q467*, Q468*.
Identifiers: ClinVar variation 3366632 (VCV003366632.2).